The following is an entry in ClinVar:

NM_001009994.3(RIPPLY2):c.40G>T (p.Ala14Ser)

Genes: RIPPLY2 (ripply transcriptional repressor 2; plus strand), RIPPLY2-CYB5R4 (RIPPLY2-CYB5R4 readthrough; plus strand). Cytogenetic location: 6q14.2.
Variant type: single nucleotide variant.
Coding change: c.40G>T on transcript NM_001009994.3 (MANE Select); coding-DNA position 40, G replaced by T.
Protein change: p.Ala14Ser; replaces alanine 14 with serine.
Molecular consequence: missense variant.
Genome position (GRCh38, 1-based): chr6:83,853,456, G>T. VCF-style: chr6-83853456-G-T. GRCh37 (hg19) VCF-style: chr6-84563175-G-T.
Other names: c.40G>T (NM_001009994.1); short protein forms A14S.
Identifiers: ClinVar variation 1361357 (VCV001361357.9), dbSNP rs372681617, ClinGen allele CA3908798.

ClinVar aggregate classification (germline): Uncertain significance. Review status: criteria provided, multiple submitters, no conflicts (2 of 4 stars). 2 submissions from 2 submitters: Uncertain significance (2). Last evaluated 2026-01-13.

Allele frequency attached by ClinVar (database versions not stated): TOPMed 0.00026.
gnomAD v4.1: 64 of 1,542,536 alleles (0.0041%); highest among the groups gnomAD compares: African/African-American, 0.077%; no homozygotes.

Submissions (2):

Labcorp Genetics (formerly Invitae), Labcorp
Classification: Uncertain significance. Last evaluated: 2026-01-13. Review status: criteria provided, single submitter. Criteria: Invitae Variant Classification Sherloc (09022015). Collection method: clinical testing. Allele origin: germline.
Comment: This sequence change replaces alanine, which is neutral and non-polar, with serine, which is neutral and polar, at codon 14 of the RIPPLY2 protein (p.Ala14Ser). This variant is present in population databases (rs372681617, gnomAD 0.1%), and has an allele count higher than expected for a pathogenic variant. This variant has not been reported in the literature in individuals affected with RIPPLY2-related conditions. ClinVar contains an entry for this variant (Variation ID: 1361357). An algorithm developed to predict the effect of missense changes on protein structure and function outputs the following: PolyPhen-2: "Not Available". The serine amino acid residue is found in multiple mammalian species, which suggests that this missense change does not adversely affect protein function. In summary, the available evidence is currently insufficient to determine the role of this variant in disease. Therefore, it has been classified as a Variant of Uncertain Significance.

Ambry Genetics
Classification: Uncertain significance. Last evaluated: 2024-01-22. Review status: criteria provided, single submitter. Criteria: Ambry Variant Classification Scheme 2023. Collection method: clinical testing. Allele origin: germline.